The following is an entry in ClinVar:

NM_000350.3(ABCA4):c.3363C>A (p.Asp1121Glu)

Gene: ABCA4 (ATP binding cassette subfamily A member 4; minus strand). Cytogenetic location: 1p22.1.
Variant type: single nucleotide variant.
Coding change: c.3363C>A on transcript NM_000350.3 (MANE Select); coding-DNA position 3363, C replaced by A.
Protein change: p.Asp1121Glu; replaces aspartic acid 1121 with glutamic acid.
Molecular consequence: missense variant.
Genome position (GRCh38, 1-based): chr1:94,041,368, G>T on the plus strand (C>A on the coding strand, the complement: ABCA4 is on the minus strand). VCF-style: chr1-94041368-G-T. GRCh37 (hg19) VCF-style: chr1-94506924-G-T.
Other names: c.3141C>A, p.Asp1047Glu (NM_001425324.1); short protein forms D1121E, D1047E.
Identifiers: ClinVar variation 2134146 (VCV002134146.4), dbSNP rs146117512, ClinGen allele CA957952.
Genomic context (GRCh38, chr1:94,041,368, plus strand): 5'-TGAGCAGTAGAGCCTTCCCTGGGCAATGATGGCAATGCGGTCCCCAAGGAGGTCGGCCTC[G>T]TCCATGTGGTGAGTGGACATGATGATGGTTCTGCCTGCAAGGTAGGGGCCAGGGCAATCA-3'
Protein context (NP_000341.2, residues 1111-1131): RTIIMSTHHM[Asp1121Glu]EADLLGDRIA

ClinVar aggregate classification (germline): Uncertain significance (1 of 4 stars; one submission).

gnomAD v4.1: 1 of 1,614,072 alleles (0.000062%); highest among the groups gnomAD compares: South Asian, 0.0011%; no homozygotes.

Submission:

Labcorp Genetics (formerly Invitae), Labcorp
Classification: Uncertain significance. Last evaluated: 2022-05-10. Review status: criteria provided, single submitter. Criteria: Invitae Variant Classification Sherloc (09022015). Collection method: clinical testing. Allele origin: germline.
Comment: In summary, the available evidence is currently insufficient to determine the role of this variant in disease. Therefore, it has been classified as a Variant of Uncertain Significance. Advanced modeling of protein sequence and biophysical properties (such as structural, functional, and spatial information, amino acid conservation, physicochemical variation, residue mobility, and thermodynamic stability) performed at Invitae indicates that this missense variant is expected to disrupt ABCA4 protein function. This variant has not been reported in the literature in individuals affected with ABCA4-related conditions. This variant is present in population databases (rs146117512, gnomAD 0.003%). This sequence change replaces aspartic acid, which is acidic and polar, with glutamic acid, which is acidic and polar, at codon 1121 of the ABCA4 protein (p.Asp1121Glu).